The following is an entry in ClinVar:

NM_005045.4(RELN):c.1856C>G (p.Pro619Arg)

Gene: RELN (reelin; minus strand). Cytogenetic location: 7q22.1.
Variant type: single nucleotide variant.
Coding change: c.1856C>G on transcript NM_005045.4 (MANE Select); coding-DNA position 1856, C replaced by G.
Protein change: p.Pro619Arg; replaces proline 619 with arginine.
Molecular consequence: missense variant.
Genome position (GRCh38, 1-based): chr7:103,651,697, G>C on the plus strand (C>G on the coding strand, the complement: RELN is on the minus strand). VCF-style: chr7-103651697-G-C. GRCh37 (hg19) VCF-style: chr7-103292144-G-C.
Other names: c.1856C>G, p.Pro619Arg (NM_173054.3); short protein forms P619R.
Identifiers: ClinVar variation 3758237 (VCV003758237.2).

ClinVar aggregate classification (germline): Uncertain significance (1 of 4 stars; one submission).

Conditions:
Norman-Roberts syndrome (LIS2). Also called: Lissencephaly 2 (Norman-Roberts type). Identifiers: Orphanet 89844, MedGen C0796089, MONDO:0009760, OMIM 257320.
Familial temporal lobe epilepsy 7. Identifiers: Orphanet 101046, MedGen C4225327, MONDO:0014639, OMIM 616436.

Submission:

Labcorp Genetics (formerly Invitae), Labcorp
Classification: Uncertain significance for Familial temporal lobe epilepsy 7; Norman-Roberts syndrome. Last evaluated: 2024-12-17. Review status: criteria provided, single submitter. Criteria: Invitae Variant Classification Sherloc (09022015). Collection method: clinical testing. Allele origin: germline.
Comment: This sequence change replaces proline, which is neutral and non-polar, with arginine, which is basic and polar, at codon 619 of the RELN protein (p.Pro619Arg). This variant is not present in population databases (gnomAD no frequency). This variant has not been reported in the literature in individuals affected with RELN-related conditions. Invitae Evidence Modeling of protein sequence and biophysical properties (such as structural, functional, and spatial information, amino acid conservation, physicochemical variation, residue mobility, and thermodynamic stability) has been performed for this missense variant. However, the output from this modeling did not meet the statistical confidence thresholds required to predict the impact of this variant on RELN protein function. In summary, the available evidence is currently insufficient to determine the role of this variant in disease. Therefore, it has been classified as a Variant of Uncertain Significance.